The following is an entry in ClinVar:

ClinVar aggregate classification (germline): Uncertain significance (1 of 4 stars; one submission).

Conditions:
Disseminated atypical mycobacterial infection. Identifiers: MedGen C0694566.

Allele frequency attached by ClinVar (database versions not stated): gnomAD exomes below 0.00001; ExAC 0.00001; TOPMed 0.00001.

Submission:

Labcorp Genetics (formerly Invitae), Labcorp
Classification: Uncertain significance for Disseminated atypical mycobacterial infection. Last evaluated: 2022-05-14. Review status: criteria provided, single submitter. Criteria: Invitae Variant Classification Sherloc (09022015). Collection method: clinical testing. Allele origin: germline.
Comment: In summary, the available evidence is currently insufficient to determine the role of this variant in disease. Therefore, it has been classified as a Variant of Uncertain Significance. Algorithms developed to predict the effect of missense changes on protein structure and function are either unavailable or do not agree on the potential impact of this missense change (SIFT: "Tolerated"; PolyPhen-2: "Possibly Damaging"; Align-GVGD: "Class C0"). This variant has not been reported in the literature in individuals affected with IFNGR1-related conditions. This variant is present in population databases (rs773103247, gnomAD 0.01%). This sequence change replaces serine, which is neutral and polar, with glycine, which is neutral and non-polar, at codon 242 of the IFNGR1 protein (p.Ser242Gly).

NM_000416.3(IFNGR1):c.724A>G (p.Ser242Gly)

Gene: IFNGR1 (interferon gamma receptor 1; minus strand). Cytogenetic location: 6q23.3.
Variant type: single nucleotide variant.
Coding change: c.724A>G on transcript NM_000416.3 (MANE Select); coding-DNA position 724, A replaced by G.
Protein change: p.Ser242Gly; replaces serine 242 with glycine.
Molecular consequence: missense variant.
Genome position (GRCh38, 1-based): chr6:137,203,508, T>C on the plus strand (A>G on the coding strand, the complement: IFNGR1 is on the minus strand). VCF-style: chr6-137203508-T-C. GRCh37 (hg19) VCF-style: chr6-137524645-T-C.
Other names: c.694A>G, p.Ser232Gly (NM_001363526.1); c.601A>G, p.Ser201Gly (NM_001363527.1); short protein forms S201G, S232G, S242G.
Identifiers: ClinVar variation 2169059 (VCV002169059.4), dbSNP rs773103247, ClinGen allele CA4018893.